The following is an entry in ClinVar:

NM_001904.4(CTNNB1):c.1745_1753del (p.Arg582_Val584del)

Gene: CTNNB1 (catenin beta 1; plus strand). Cytogenetic location: 3p22.1.
Variant type: Deletion.
Coding change: c.1745_1753del on transcript NM_001904.4 (MANE Select); coding-DNA positions 1745 to 1753, 9 bases deleted (GGGATGTTC; older notation c.1745_1753delGGGATGTTC).
Protein change: p.Arg582_Val584del.
Molecular consequence: inframe deletion.
Genome position (GRCh38, 1-based): chr3:41,235,785-41,235,793, GGGATGTTC deleted; deleting any 9 consecutive bases within chr3:41,235,783-41,235,793 gives the same sequence; the c. name uses the placement nearest the transcript's 3' end. VCF-style (leftmost placement, unchanged base first): chr3-41235782-CTCGGGATGT-C. GRCh37 (hg19) VCF-style: chr3-41277273-CTCGGGATGT-C.
Other names: c.1745_1753del, p.Arg582_Val584del (NM_001098209.2, NM_001098210.2); c.1724_1732del, p.Arg575_Val577del (NM_001330729.2); c.1745_1753delGGGATGTTC (NM_001904.3); c.1745_1753del (NM_001904.3).
Identifiers: ClinVar variation 520761 (VCV000520761.5), dbSNP rs1553632262, ClinGen allele CA658796286.
Genomic context (GRCh38, chr3:41,235,782, plus strand): 5'-AGGAGGGGGTCCGCATGGAAGAAATAGTTGAAGGTTGTACCGGAGCCCTTCACATCCTAG[CTCGGGATGT>C]TCACAACCGAATTGTTATCAGAGGACTAAATACCATTCCATTGTTTGTGCAGGTATGTTT-3'

ClinVar aggregate classification (germline): Uncertain significance. Review status: criteria provided, multiple submitters, no conflicts (2 of 4 stars). 2 submissions from 2 submitters: Uncertain significance (2). Last evaluated 2023-02-08.

Conditions:
Inborn genetic diseases. Identifiers: MedGen C0950123, MeSH D030342.

Submissions (2):

GeneDx
Classification: Uncertain significance. Last evaluated: 2023-02-08. Review status: criteria provided, single submitter. Criteria: GeneDx Variant Classification Process June 2021. Collection method: clinical testing. Allele origin: germline. Affected: yes.
Comment: Not observed at significant frequency in large population cohorts (gnomAD); In-frame deletion of 3 amino acids in a non-repeat region; In silico analysis supports a deleterious effect on protein structure/function; Has not been previously published as pathogenic or benign to our knowledge

Ambry Genetics
Classification: Uncertain significance for Inborn genetic diseases. Last evaluated: 2015-09-30. Review status: criteria provided, single submitter. Criteria: Ambry exome assertion method (8-5-2015). Collection method: clinical testing. Allele origin: germline. Affected: yes. Observed: 1 variant allele.